The following is an entry in ClinVar:

ClinVar aggregate classification (germline): Benign. Review status: criteria provided, multiple submitters, no conflicts (2 of 4 stars). 16 submissions from 15 submitters: Benign (11). 5 of the submissions do not count toward it. Last evaluated 2026-02-03.

Conditions:
Cardiovascular phenotype. Identifiers: MedGen CN230736.
Cardiomyopathy (CMYO). Also called: Cardiomyopathies. Identifiers: Orphanet 167848, MedGen C0878544, MONDO:0004994, HP:0001638. Inheritance: Various modes of inheritance.
Lethal congenital glycogen storage disease of heart. Also called: GLYCOGEN STORAGE DISEASE OF HEART; PHOSPHORYLASE KINASE DEFICIENCY OF HEART. Identifiers: Orphanet 439854, MedGen C1849813, MONDO:0009867, OMIM 261740.
Hypertrophic cardiomyopathy 6. Identifiers: MedGen C1833236, MONDO:0010946, OMIM 600858.
Wolff-Parkinson-White pattern. Also called: WPW SYNDROME; Auriculoventricular accessory pathway syndrome; False bundle branch block syndrome; Anomalous ventricular excitation syndrome. Identifiers: MedGen C0043202, MONDO:0008685, OMIM 194200, HP:0001716.
Hypertrophic cardiomyopathy. Also called: HYPERTROPHIC MYOCARDIOPATHY. Identifiers: Orphanet 217569, MedGen C0007194, MeSH D002312, MONDO:0005045, HP:0001639.

Allele frequency attached by ClinVar (database versions not stated): gnomAD exomes 0.00373 and 0.00944; ExAC 0.01167; gnomAD 0.03693 and 0.03936; ESP Exome Variant Server 0.04060; TOPMed 0.04175; 1000 Genomes Project 0.04393; 1000 Genomes Project 30x 0.04544.
gnomAD v4.1: 11,337 of 1,613,902 alleles (0.7%); highest among the groups gnomAD compares: African/African-American, 13%; 654 homozygotes.

Submissions (16):

Labcorp Genetics (formerly Invitae), Labcorp
Classification: Benign for Lethal congenital glycogen storage disease of heart. Last evaluated: 2026-02-03. Review status: criteria provided, single submitter. Criteria: Invitae Variant Classification Sherloc (09022015). Collection method: clinical testing. Allele origin: germline.

Molecular Diagnostic Laboratory for Inherited Cardiovascular Disease, Montreal Heart Institute
Classification: Benign. Last evaluated: 2025-04-09. Review status: criteria provided, single submitter. Criteria: ACMG Guidelines, 2015. Collection method: clinical testing. Allele origin: germline. Affected: no.

All of Us Research Program, National Institutes of Health
Classification: Benign for Hypertrophic cardiomyopathy. Last evaluated: 2024-02-05. Review status: criteria provided, single submitter. Criteria: ACMG Guidelines, 2015. Collection method: clinical testing. Allele origin: germline. Inheritance: Autosomal dominant inheritance. Observed: 2,076 variant alleles, 1,969 heterozygotes, 107 homozygotes.
Comment: This study involves interpretation of variants in research participants for the purpose of population health screening. Participant phenotype was not available at the time of variant classification. Additional details can be found in publication PMID: 35346344, PMCID: PMC8962531

Color Diagnostics, LLC DBA Color Health
Classification: Benign for Cardiomyopathy. Last evaluated: 2018-03-16. Review status: criteria provided, single submitter. Criteria: ACMG Guidelines, 2015. Collection method: clinical testing. Allele origin: germline.

Illumina Laboratory Services, Illumina
Classification: Benign for Hypertrophic cardiomyopathy 6. Last evaluated: 2018-01-13. Review status: criteria provided, single submitter. Criteria: ICSL Variant Classification Criteria 13 December 2019. Collection method: clinical testing. Allele origin: germline.
Comment: This variant was observed in the ICSL laboratory as part of a predisposition screen in an ostensibly healthy population. It had not been previously curated by ICSL or reported in the Human Gene Mutation Database (HGMD: prior to June 1st, 2018), and was therefore a candidate for classification through an automated scoring system. Utilizing variant allele frequency, disease prevalence and penetrance estimates, and inheritance mode, an automated score was calculated to assess if this variant is too frequent to cause the disease. Based on the score and internal cut-off values, a variant classified as benign is not then subjected to further curation. The score for this variant resulted in a classification of benign for this disease.

Illumina Laboratory Services, Illumina
Classification: Benign for Wolff-Parkinson-White pattern. Last evaluated: 2018-01-13. Review status: criteria provided, single submitter. Criteria: ICSL Variant Classification Criteria 13 December 2019. Collection method: clinical testing. Allele origin: germline.
Comment: the same text as in the submission from Illumina Laboratory Services, Illumina above.

GeneDx
Classification: Benign. Last evaluated: 2015-03-03. Review status: criteria provided, single submitter. Criteria: GeneDx Variant Classification Process June 2021. Collection method: clinical testing. Allele origin: germline. Affected: yes.

Ambry Genetics
Classification: Benign for Cardiovascular phenotype. Last evaluated: 2014-12-08. Review status: criteria provided, single submitter. Criteria: Ambry Variant Classification Scheme 2023. Collection method: clinical testing. Allele origin: germline.

Laboratory for Molecular Medicine, Mass General Brigham Personalized Medicine
Classification: Benign. Last evaluated: 2009-01-08. Review status: criteria provided, single submitter. Criteria: LMM Criteria. Collection method: clinical testing. Allele origin: germline. Observed: 126 variant alleles.

Breakthrough Genomics
Classification: Benign. Review status: criteria provided, single submitter. Criteria: ACMG Guidelines, 2015. Collection method: not provided. Allele origin: germline. Inheritance: Autosomal dominant inheritance. Affected: yes.

PreventionGenetics, part of Exact Sciences
Classification: Benign. Review status: criteria provided, single submitter. Criteria: ACMG Guidelines, 2015. Collection method: clinical testing. Allele origin: germline.

Cohesion Phenomics
Classification: Benign for Hypertrophic Cardiomyopathy. Last evaluated: 2022-09-29. Review status: no assertion criteria provided. Criteria: ACMG Guidelines, 2015. Collection method: clinical testing. Allele origin: germline. Affected: yes. Not counted in ClinVar's aggregate classification.

Mayo Clinic Laboratories, Mayo Clinic
Classification: Benign. Last evaluated: 2017-05-17. Review status: no assertion criteria provided. Collection method: clinical testing. Allele origin: unknown. Not counted in ClinVar's aggregate classification.

Clinical Genetics DNA and cytogenetics Diagnostics Lab, Erasmus MC, Erasmus Medical Center
Classification: Benign. Review status: no assertion criteria provided. Collection method: clinical testing. Allele origin: germline. Affected: yes. Study: VKGL Data-share Consensus. Not counted in ClinVar's aggregate classification.

Clinical Genetics, Academic Medical Center
Classification: Benign. Review status: no assertion criteria provided. Collection method: clinical testing. Allele origin: germline. Affected: yes. Study: VKGL Data-share Consensus. Not counted in ClinVar's aggregate classification.

Joint Genome Diagnostic Labs from Nijmegen and Maastricht, Radboudumc and MUMC+
Classification: Benign. Review status: no assertion criteria provided. Collection method: clinical testing. Allele origin: germline. Affected: yes. Study: VKGL Data-share Consensus. Not counted in ClinVar's aggregate classification.

NM_016203.4(PRKAG2):c.1623T>C (p.Ile541=)

Gene: PRKAG2 (protein kinase AMP-activated non-catalytic subunit gamma 2; minus strand). Cytogenetic location: 7q36.1.
Variant type: single nucleotide variant.
Coding change: c.1623T>C on transcript NM_016203.4 (MANE Select); coding-DNA position 1623, T replaced by C.
Protein change: p.Ile541=; no amino-acid change (isoleucine 541 retained).
Molecular consequence: synonymous variant.
Genome position (GRCh38, 1-based): chr7:151,560,579, A>G on the plus strand (T>C on the coding strand, the complement: PRKAG2 is on the minus strand). VCF-style: chr7-151560579-A-G. GRCh37 (hg19) VCF-style: chr7-151257665-A-G.
Other names: c.1491T>C, p.Ile497= (NM_001040633.2); c.1248T>C, p.Ile416= (NM_001304527.2); c.900T>C, p.Ile300= (NM_001304531.2, NM_024429.2); c.1251T>C, p.Ile417= (NM_001363698.2).
Identifiers: ClinVar variation 45702 (VCV000045702.40), dbSNP rs28763998, ClinGen allele CA013916.